The following is an entry in ClinVar:

ClinVar aggregate classification (germline): Likely benign (1 of 4 stars; one submission).

Submission:

CeGaT Center for Human Genetics Tuebingen
Classification: Likely benign. Last evaluated: 2026-05-01. Review status: criteria provided, single submitter. Criteria: CeGaT Center For Human Genetics Tuebingen Variant Classification Criteria Version 2. Collection method: clinical testing. Allele origin: germline. Affected: yes. Observed: 1 variant allele.
Comment: TUBA1B: BP4, BP7

NM_006082.3(TUBA1B):c.1152T>C (p.Ile384=)

Gene: TUBA1B (tubulin alpha 1b; minus strand). Cytogenetic location: 12q13.12.
Variant type: single nucleotide variant.
Coding change: c.1152T>C on transcript NM_006082.3 (MANE Select); coding-DNA position 1152, T replaced by C.
Protein change: p.Ile384=; no amino-acid change (isoleucine 384 retained).
Molecular consequence: synonymous variant.
Genome position (GRCh38, 1-based): chr12:49,128,162, A>G on the plus strand (T>C on the coding strand, the complement: TUBA1B is on the minus strand). VCF-style: chr12-49128162-A-G. GRCh37 (hg19) VCF-style: chr12-49521945-A-G.
Identifiers: ClinVar variation 4874364 (VCV004874364.2).